The following is an entry in ClinVar:

NM_015047.3(EMC1):c.431C>T (p.Ala144Val)

Gene: EMC1 (ER membrane protein complex subunit 1; minus strand). Cytogenetic location: 1p36.13.
Variant type: single nucleotide variant.
Coding change: c.431C>T on transcript NM_015047.3 (MANE Select); coding-DNA position 431, C replaced by T.
Protein change: p.Ala144Val; replaces alanine 144 with valine.
Molecular consequence: missense variant.
Genome position (GRCh38, 1-based): chr1:19,242,423, G>A on the plus strand (C>T on the coding strand, the complement: EMC1 is on the minus strand). VCF-style: chr1-19242423-G-A. GRCh37 (hg19) VCF-style: chr1-19568917-G-A.
Other names: c.431C>T, p.Ala144Val (NM_001271427.2, NM_001271428.2, NM_001375820.1 and 1 more transcripts); c.365C>T, p.Ala122Val (NM_001271429.2); short protein forms A122V, A144V.
Identifiers: ClinVar variation 4771600 (VCV004771600.1).

ClinVar aggregate classification (germline): Uncertain significance (1 of 4 stars; one submission).

Submission:

Labcorp Genetics (formerly Invitae), Labcorp
Classification: Uncertain significance. Last evaluated: 2025-12-08. Review status: criteria provided, single submitter. Criteria: Invitae Variant Classification Sherloc (09022015). Collection method: clinical testing. Allele origin: germline.
Comment: This sequence change replaces alanine, which is neutral and non-polar, with valine, which is neutral and non-polar, at codon 144 of the EMC1 protein (p.Ala144Val). This variant is not present in population databases (gnomAD no frequency). This variant has not been reported in the literature in individuals affected with EMC1-related conditions. Invitae Evidence Modeling of protein sequence and biophysical properties (such as structural, functional, and spatial information, amino acid conservation, physicochemical variation, residue mobility, and thermodynamic stability) has been performed for this missense variant. However, the output from this modeling did not meet the statistical confidence thresholds required to predict the impact of this variant on EMC1 protein function. In summary, the available evidence is currently insufficient to determine the role of this variant in disease. Therefore, it has been classified as a Variant of Uncertain Significance.